The following is an entry in ClinVar:

ClinVar aggregate classification (germline): Conflicting classifications of pathogenicity. Review status: criteria provided, conflicting classifications (1 of 4 stars). 4 submissions from 4 submitters: Uncertain significance (2); Likely benign (2). Last evaluated 2024-11-28.

Conditions:
Cleft palate. Identifiers: Orphanet 2014, MedGen C2981150, MONDO:0016064, HP:0000175.
Inborn genetic diseases. Identifiers: MedGen C0950123, MeSH D030342.

Submissions (4):

Blueprint Genetics
Classification: Likely benign. Last evaluated: 2024-11-28. Review status: criteria provided, single submitter. Criteria: ACMG Guidelines, 2015. Collection method: clinical testing. Allele origin: germline.

Labcorp Genetics (formerly Invitae), Labcorp
Classification: Uncertain significance. Last evaluated: 2024-11-18. Review status: criteria provided, single submitter. Criteria: Invitae Variant Classification Sherloc (09022015). Collection method: clinical testing. Allele origin: germline.
Comment: This variant, c.790_798del, results in the deletion of 3 amino acid(s) of the KCNC3 protein (p.Ala264_Gly266del), but otherwise preserves the integrity of the reading frame. This variant is present in population databases (rs764571894, gnomAD 0.4%). This variant has not been reported in the literature in individuals affected with KCNC3-related conditions. Experimental studies and prediction algorithms are not available or were not evaluated, and the functional significance of this variant is currently unknown. In summary, the available evidence is currently insufficient to determine the role of this variant in disease. Therefore, it has been classified as a Variant of Uncertain Significance.

Ambry Genetics
Classification: Likely benign for Inborn genetic diseases. Last evaluated: 2021-10-11. Review status: criteria provided, single submitter. Criteria: Ambry Variant Classification Scheme 2023. Collection method: clinical testing. Allele origin: germline.

Cambridge Genomics Laboratory, East Genomic Laboratory Hub, NHS Genomic Medicine Service
Classification: Uncertain significance for Cleft palate. Last evaluated: 2020-07-13. Review status: criteria provided, single submitter. Criteria: ACGS Best Practice Guidelines for Variant Classification in Rare Disease 2020. Collection method: clinical testing. Allele origin: germline. Affected: yes. Observed: 1 variant allele.

NM_004977.3(KCNC3):c.781GCGGGCGGC[1] (p.261AGG[1])

Genes: KCNC3 (potassium voltage-gated channel subfamily C member 3; minus strand), LOC130064972 (ATAC-STARR-seq lymphoblastoid silent region 10954; plus strand). Cytogenetic location: 19q13.33.
Variant type: Microsatellite.
Coding change: c.781GCGGGCGGC[1] on transcript NM_004977.3 (MANE Select); one copy of the 9-base unit GCGGGCGGC starting at c.781; the reference has two copies in a row; one copy, 9 bases deleted.
Protein change: p.261AGG[1].
Molecular consequence: inframe deletion.
Genome position (GRCh38, 1-based): chr19:50,328,285-50,328,293, GCCGCCCGC deleted on the plus strand (GCGGGCGGC on the coding strand, the reverse complement: KCNC3 is on the minus strand); deleting any 9 consecutive bases within chr19:50,328,285-50,328,305 gives the same sequence; the position shown is the placement nearest the transcript's 3' end. VCF-style (leftmost placement, unchanged base first): chr19-50328284-TGCCGCCCGC-T. GRCh37 (hg19) VCF-style: chr19-50831541-TGCCGCCCGC-T.
Other names: c.553GCGGGCGGC[1], p.185AGG[1] (NM_001372305.1); c.790_798delGCGGGCGGC (NM_004977.2).
Identifiers: ClinVar variation 1478945 (VCV001478945.9), dbSNP rs764571894, ClinGen allele CA9594344.
Genomic context (GRCh38, chr19:50,328,284, plus strand): 5'-GCGACGAGTAGGGGTCCTCGAAGAGCGCCCACACGCGGGGCTGCCAGCGGCGCCACCATG[TGCCGCCCGC>T]GCCGCCCGCGCCCCCTGGCGGCCCCCCGGCGCCGCCGCCCGCGTCCTGGAAGCAGAGGCG-3'